The following is an entry in ClinVar:

NM_203447.4(DOCK8):c.4659G>T (p.Met1553Ile)

Gene: DOCK8 (dedicator of cytokinesis 8; plus strand). Cytogenetic location: 9p24.3.
Variant type: single nucleotide variant.
Coding change: c.4659G>T on transcript NM_203447.4 (MANE Select); coding-DNA position 4659, G replaced by T.
Protein change: p.Met1553Ile; replaces methionine 1553 with isoleucine.
Molecular consequence: missense variant.
Genome position (GRCh38, 1-based): chr9:432,198, G>T. VCF-style: chr9-432198-G-T. GRCh37 (hg19) VCF-style: chr9-432198-G-T.
Other names: c.4359G>T, p.Met1453Ile (NM_001190458.2); c.4455G>T, p.Met1485Ile (NM_001193536.2); short protein forms M1453I, M1485I, M1553I.
Identifiers: ClinVar variation 3341295 (VCV003341295.1).
Genomic context (GRCh38, chr9:432,198, plus strand): 5'-ATCTTTTTTTTTTTTTTCACTGATGCAGAATTTTGCAAGAGTAAAGATGCAAGTAACCAT[G>T]TCCCTGGCATCTTTGGTGGGAAGAGCACCAGACTTTAATGAAGAGCACCTGAGAAGATCC-3'
Protein context (NP_982272.2, residues 1543-1563): NFARVKMQVT[Met1553Ile]SLASLVGRAP

ClinVar aggregate classification (germline): Uncertain significance (1 of 4 stars; one submission).

Conditions:
Combined immunodeficiency due to DOCK8 deficiency (HIES2). Also called: HIES autosomal recessive; HYPER-IgE SYNDROME 2, AUTOSOMAL RECESSIVE, WITH RECURRENT INFECTIONS; DOCK8 Deficiency; Hyper-IgE recurrent infection syndrome, autosomal recessive; HYPER-IgE RECURRENT INFECTION SYNDROME 2, AUTOSOMAL RECESSIVE. Identifiers: Orphanet 217390, MedGen C4722305, MONDO:0009478, OMIM 243700.

Submission:

Neuberg Centre For Genomic Medicine, NCGM
Classification: Uncertain significance for Combined immunodeficiency due to DOCK8 deficiency. Last evaluated: 2023-05-20. Review status: criteria provided, single submitter. Criteria: ACMG Guidelines, 2015. Collection method: clinical testing. Allele origin: germline. Inheritance: Autosomal recessive inheritance. Affected: yes.
Comment: The observed missense c.4659G>T(p.Met1553Ile) variant in DOCK8 gene has not been reported previously as a pathogenic variant nor a benign variant, to our knowledge. The p.Met1553Ile variant has been reported with allele frequency of 0.0008% in gnomAD Exomes. This variant has not been submitted to the ClinVar database. Multiple lines of computational evidences (Polyphen - Possibly damaging , SIFT - Damaging and MutationTaster - Disease causing) predict a damaging effect on protein structure and function for this variant. The amino acid change p.Met1553Ile in DOCK8 is predicted as conserved by GERP++ and PhyloP across 100 vertebrates. The amino acid Met at position 1553 is changed to a Ile changing protein sequence and it might alter its composition and physico-chemical properties. For these reasons, this variant has been classified as a Variant of Uncertain Significance (VUS).